The following is an entry in ClinVar:

ClinVar aggregate classification (germline): Uncertain significance (1 of 4 stars; one submission).

Conditions:
Idiopathic generalized epilepsy. Also called: EIG; Generalised epilepsy. Identifiers: MedGen C0270850, MONDO:0005579, OMIM 600669.

Allele frequency attached by ClinVar (database versions not stated): gnomAD exomes below 0.00001 and 0.00001; TOPMed below 0.00001; ExAC 0.00001; gnomAD 0.00001.
gnomAD v4.1: 7 of 1,613,956 alleles (0.00043%); highest among the groups gnomAD compares: African/African-American, 0.004%; no homozygotes.

Submission:

Labcorp Genetics (formerly Invitae), Labcorp
Classification: Uncertain significance for Idiopathic generalized epilepsy. Last evaluated: 2022-03-19. Review status: criteria provided, single submitter. Criteria: Invitae Variant Classification Sherloc (09022015). Collection method: clinical testing. Allele origin: germline.
Comment: In summary, the available evidence is currently insufficient to determine the role of this variant in disease. Therefore, it has been classified as a Variant of Uncertain Significance. Algorithms developed to predict the effect of missense changes on protein structure and function are either unavailable or do not agree on the potential impact of this missense change (SIFT: "Deleterious"; PolyPhen-2: "Benign"; Align-GVGD: "Class C0"). ClinVar contains an entry for this variant (Variation ID: 1059635). This variant has not been reported in the literature in individuals affected with RBFOX1-related conditions. This variant is present in population databases (rs765974335, gnomAD 0.01%). This sequence change replaces proline, which is neutral and non-polar, with leucine, which is neutral and non-polar, at codon 122 of the RBFOX1 protein (p.Pro122Leu).

NM_018723.4(RBFOX1):c.305C>T (p.Pro102Leu)

Genes: RBFOX1 (RNA binding fox-1 homolog 1; plus strand), LOC126862278 (CDK7 strongly-dependent group 2 enhancer GRCh37_chr16:7629446-7630645; plus strand). Cytogenetic location: 16p13.3.
Variant type: single nucleotide variant.
Coding change: c.305C>T on transcript NM_018723.4 (MANE Select); coding-DNA position 305, C replaced by T.
Protein change: p.Pro102Leu; replaces proline 102 with leucine.
Molecular consequence: missense variant.
Genome position (GRCh38, 1-based): chr16:7,579,811, C>T. VCF-style: chr16-7579811-C-T. GRCh37 (hg19) VCF-style: chr16-7629813-C-T.
Other names: c.305C>T, p.Pro102Leu (NM_001142333.2, NM_001142334.2, NM_001364800.2); c.434C>T, p.Pro145Leu (NM_001308117.1); c.365C>T, p.Pro122Leu (NM_145891.3, NM_145892.3, NM_145893.3); short protein forms P102L, P122L, P145L.
Identifiers: ClinVar variation 1059635 (VCV001059635.9), dbSNP rs765974335, ClinGen allele CA7891443.
Genomic context (GRCh38, chr16:7,579,811, plus strand): 5'-TCTTCGGTTTCTTCTTGTTCTTTTAGCAGACAGATGACGCAGCACCGACGGATGGCCAGC[C>T]CCAGACACAACCTTCTGAAAACACGGAAAACAAGTCTCAGCCCAAGCGGCTGCATGTCTC-3'
Protein context (NP_061193.2, residues 92-112): TDDAAPTDGQ[Pro102Leu]QTQPSENTEN